The following is an entry in ClinVar:

ClinVar aggregate classification (germline): Likely benign. Review status: criteria provided, multiple submitters, no conflicts (2 of 4 stars). 2 submissions from 2 submitters: Likely benign (2). Last evaluated 2024-06-19.

Conditions:
Familial cancer of breast. Also called: BREAST CANCER, FAMILIAL; Hereditary breast cancer; hereditary breast carcinoma. Identifiers: Orphanet 227535, MedGen C0346153, MONDO:0016419, OMIM 114480. Disease mechanism: loss of function.
Ataxia-telangiectasia syndrome (AT). Also called: LOUIS-BAR SYNDROME; Cerebello-oculocutaneous telangiectasia; Immunodeficiency with ataxia telangiectasia; Ataxia telangiectasia (A-T); Ataxia-telangiectasia, complementation group D; AT, COMPLEMENTATION GROUP C. Identifiers: Orphanet 100, MedGen C0004135, MONDO:0008840, OMIM 208900.

Submissions (2):

Myriad Genetics, Inc.
Classification: Likely benign for Familial cancer of breast. Last evaluated: 2024-06-19. Review status: criteria provided, single submitter. Criteria: Myriad Autosomal Dominant, Autosomal Recessive and X-Linked Classification Criteria (2023). Collection method: clinical testing. Allele origin: unknown.
Comment: This variant is considered likely benign. This variant is intronic and is not expected to impact mRNA splicing.

Labcorp Genetics (formerly Invitae), Labcorp
Classification: Likely benign for Ataxia-telangiectasia syndrome. Last evaluated: 2023-05-12. Review status: criteria provided, single submitter. Criteria: Invitae Variant Classification Sherloc (09022015). Collection method: clinical testing. Allele origin: germline.

NM_000051.4(ATM):c.8268+7A>T

Genes: ATM (ATM serine/threonine kinase; plus strand), C11orf65 (chromosome 11 open reading frame 65; minus strand). Cytogenetic location: 11q22.3.
Variant type: single nucleotide variant.
Coding change: c.8268+7A>T on transcript NM_000051.4 (MANE Select); 7 bases into the intron after coding-DNA position 8268, A replaced by T.
Molecular consequence: intron variant.
Genome position (GRCh38, 1-based): chr11:108,335,968, A>T. VCF-style: chr11-108335968-A-T. GRCh37 (hg19) VCF-style: chr11-108206695-A-T.
Other names: c.8268+7A>T (NM_001351834.2); c.641-26897T>A (NM_001330368.2); c.695-676T>A (NM_001351110.2).
Identifiers: ClinVar variation 1606309 (VCV001606309.10), dbSNP rs1057524565, ClinGen allele CA2573146694.